The following is an entry in ClinVar:

NM_004360.5(CDH1):c.653_654del (p.Glu218fs)

Gene: CDH1 (cadherin 1; plus strand). Cytogenetic location: 16q22.1.
Variant type: Microsatellite.
Coding change: c.653_654del on transcript NM_004360.5 (MANE Select); coding-DNA positions 653 to 654, 2 bases deleted (AG; older notation c.653_654delAG).
Protein change: p.Glu218fs; shifts the reading frame from glutamic acid 218.
Molecular consequence: frameshift variant. On other transcripts: 5 prime UTR variant (2).
Genome position (GRCh38, 1-based): chr16:68,808,814-68,808,815, AG deleted; deleting any 2 consecutive bases within chr16:68,808,812-68,808,815 gives the same sequence; the c. name uses the placement nearest the transcript's 3' end. VCF-style (leftmost placement, unchanged base first): chr16-68808811-CAG-C. GRCh37 (hg19) VCF-style: chr16-68842714-CAG-C.
Other names: c.653_654del, p.Glu218fs (NM_001317184.2); c.-965AG[1] (NM_001317185.2); c.-1169AG[1] (NM_001317186.2); short protein forms E218fs.
Identifiers: ClinVar variation 2709441 (VCV002709441.3), dbSNP rs2543916310, ClinGen allele CA645596620.

ClinVar aggregate classification (germline): Pathogenic (1 of 4 stars; one submission).

Conditions:
Hereditary diffuse gastric adenocarcinoma (HDGC). Also called: DIFFUSE GASTRIC AND LOBULAR BREAST CANCER SYNDROME. Identifiers: Orphanet 26106, MedGen C1708349, MONDO:0007648, OMIM 137215.

Submission:

Labcorp Genetics (formerly Invitae), Labcorp
Classification: Pathogenic for Hereditary diffuse gastric adenocarcinoma. Last evaluated: 2024-04-18. Review status: criteria provided, single submitter. Criteria: Invitae Variant Classification Sherloc (09022015). Collection method: clinical testing. Allele origin: germline.
Comment: This sequence change creates a premature translational stop signal (p.Glu218Alafs*4) in the CDH1 gene. It is expected to result in an absent or disrupted protein product. Loss-of-function variants in CDH1 are known to be pathogenic (PMID: 15235021, 20373070). This variant is not present in population databases (gnomAD no frequency). This variant has not been reported in the literature in individuals affected with CDH1-related conditions. For these reasons, this variant has been classified as Pathogenic.

Literature cited by the submitters: PubMed 15235021; PubMed 20373070.